The following is an entry in ClinVar:

NM_170606.3(KMT2C):c.6463A>G (p.Asn2155Asp)

Gene: KMT2C (lysine methyltransferase 2C; minus strand). Cytogenetic location: 7q36.1.
Variant type: single nucleotide variant.
Coding change: c.6463A>G on transcript NM_170606.3 (MANE Select); coding-DNA position 6463, A replaced by G.
Protein change: p.Asn2155Asp; replaces asparagine 2155 with aspartic acid.
Molecular consequence: missense variant.
Genome position (GRCh38, 1-based): chr7:152,181,397, T>C on the plus strand (A>G on the coding strand, the complement: KMT2C is on the minus strand). VCF-style: chr7-152181397-T-C. GRCh37 (hg19) VCF-style: chr7-151878482-T-C.
Other names: short protein forms N2155D.
Identifiers: ClinVar variation 4881273 (VCV004881273.2).

ClinVar aggregate classification (germline): Uncertain significance (1 of 4 stars; one submission).

gnomAD v4.1: 5 of 1,613,920 alleles (0.00031%); highest among the groups gnomAD compares: Non-Finnish European, 0.00042%; no homozygotes.

Submission:

Dasa
Classification: Uncertain significance. Last evaluated: 2025-12-22. Review status: criteria provided, single submitter. Criteria: DASA Assertion Criteria. Collection method: clinical testing. Allele origin: germline.
Comment: NM_170606.3(KMT2C):c.6463A>G (p.Asn2155Asp) is a missense variant that results in the substitution of asparagine with aspartic acid. This variant is rare in population databases. The currently available literature and clinical evidence are not sufficient to establish a definitive association between this variant and the reported condition. Therefore, this variant is classified as a variant of uncertain significance.